The following is an entry in ClinVar:

ClinVar aggregate classification (germline): Pathogenic/Likely pathogenic. Review status: criteria provided, multiple submitters, no conflicts (2 of 4 stars). 6 submissions from 6 submitters: Pathogenic (2); Likely pathogenic (3). 1 of the submissions does not count toward it. Last evaluated 2025-07-18.

Conditions:
Leukoencephalopathy with vanishing white matter 5 (VWM5). Also called: Leukoencephalopathy with vanishing white matter 5, with or without ovarian failure; EIF2B5-Related Childhood Ataxia with Central Nervous System Hypomyelination/Vanishing White Matter. Identifiers: MedGen C5779973, MONDO:0957873, OMIM 620315.
Vanishing white matter disease. Also called: Childhood ataxia with diffuse central nervous system hypomyelination; Leukoencephalopathy with vanishing white matter; CACH/VWM syndrome; Cree leukoencehalopathy; CACH syndrome. Identifiers: Orphanet 135, Orphanet 99853, MedGen C1858991, MONDO:0800448.

Allele frequency attached by ClinVar (database versions not stated): ExAC 0.00001; gnomAD exomes 0.00001 and 0.00002; gnomAD 0.00003 and 0.00002; TOPMed 0.00002.
gnomAD v4.1: 36 of 1,613,964 alleles (0.0022%); highest among the groups gnomAD compares: African/African-American, 0.0027%; no homozygotes.

Submissions (6):

Natera, Inc.
Classification: Pathogenic for Leukoencephalopathy with vanishing white matter. Last evaluated: 2025-07-18. Review status: criteria provided, single submitter. Criteria: Natera Variant Classification Schema (03/2026). Collection method: clinical testing. Allele origin: germline.
Comment: The c.944G>A variant in EIF2B5 is a missense variant predicted to cause substitution of arginine to histidine at amino acid 315. This variant is rare in the general population with a frequency below the threshold expected for the associated phenotype(s). This variant has been observed in one or more individuals affected with the associated recessive disease, as either homozygous or compound heterozygous with a second variant (PMID: 33432707, 23335982). Computational prediction algorithms indicate this variant is likely to affect gene or protein function. Given the available evidence, this variant is classified as Pathogenic.

3billion
Classification: Likely pathogenic for Leukoencephalopathy with vanishing white matter 5. Last evaluated: 2025-02-03. Review status: criteria provided, single submitter. Criteria: ACMG Guidelines, 2015. Collection method: clinical testing. Allele origin: germline. Affected: yes.
Comment: The variant is observed at an extremely low frequency in the gnomAD v4.1.0 dataset (total allele frequency: 0.002%). Predicted Consequence/Location: Missense variant Damaging effect on gene or gene product predicted by in silico programs is uncertain [REVEL: 0.60 (damaging >=0.6, benign <0.4), 3Cnet: 0.50 (damaging >=0.6, benign <0.15)]. The same nucleotide change resulting in the same amino acid change has been previously reported as pathogenic/likely pathogenic with strong evidence (ClinVar ID: VCV000005950 /PMID: 11704758). Different missense changes at the same codon (p.Arg315Cys, p.Arg315Gly) have been reported as pathogenic/likely pathogenic with strong evidence (ClinVar ID: VCV000598970 /PMID: 11704758, 15136673 /3billion dataset). Therefore, this variant is classified as Likely pathogenic according to the recommendation of ACMG/AMP guideline.

Labcorp Genetics (formerly Invitae), Labcorp
Classification: Pathogenic. Last evaluated: 2024-01-31. Review status: criteria provided, single submitter. Criteria: Invitae Variant Classification Sherloc (09022015). Collection method: clinical testing. Allele origin: germline.
Comment: This sequence change replaces arginine, which is basic and polar, with histidine, which is basic and polar, at codon 315 of the EIF2B5 protein (p.Arg315His). This variant is present in population databases (rs113994064, gnomAD 0.007%). This missense change has been observed in individuals with leukoencephalopathy with vanishing white matter (PMID: 11704758, 17646634; Invitae). It has also been observed to segregate with disease in related individuals. ClinVar contains an entry for this variant (Variation ID: 5950). Advanced modeling of protein sequence and biophysical properties (such as structural, functional, and spatial information, amino acid conservation, physicochemical variation, residue mobility, and thermodynamic stability) performed at Invitae indicates that this missense variant is not expected to disrupt EIF2B5 protein function with a negative predictive value of 80%. This variant disrupts the p.Arg315 amino acid residue in EIF2B5. Other variant(s) that disrupt this residue have been observed in individuals with EIF2B5-related conditions (PMID: 11704758, 15136673, 21307862), which suggests that this may be a clinically significant amino acid residue. For these reasons, this variant has been classified as Pathogenic.

Fulgent Genetics
Classification: Likely pathogenic for Leukoencephalopathy with vanishing white matter 5. Last evaluated: 2024-01-22. Review status: criteria provided, single submitter. Criteria: ACMG Guidelines, 2015. Collection method: clinical testing. Allele origin: germline.

GeneDx
Classification: Likely pathogenic. Last evaluated: 2023-11-13. Review status: criteria provided, single submitter. Criteria: GeneDx Variant Classification Process June 2021. Collection method: clinical testing. Allele origin: germline.
Comment: Functional studies in lymphocytes from a patient who had the R315H variant as well as another EIF2B5 variant suggest reduction of guanine exchange activity compared to wild-type; however, additional studies are needed to validate the functional effect of this variant on its own (PMID: 20958979); In silico analysis supports that this missense variant does not alter protein structure/function; This variant is associated with the following publications: (PMID: 21307862, 17646634, 26162493, 20016818, 15136673, 11704758, 33084218, 34745209, 20958979)

OMIM
Classification: Pathogenic for LEUKOENCEPHALOPATHY WITH VANISHING WHITE MATTER 5. Last evaluated: 2007-07-24. Review status: no assertion criteria provided. Collection method: literature only. Allele origin: germline. Not counted in ClinVar's aggregate classification.

Literature cited by the submitters: PubMed 33432707 (cited by Natera, Inc.); PubMed 23335982 (cited by Natera, Inc.); PubMed 11704758 (cited by 3billion and Labcorp Genetics (formerly Invitae), Labcorp); PubMed 17646634 (cited by Labcorp Genetics (formerly Invitae), Labcorp and OMIM); PubMed 15136673 (cited by Labcorp Genetics (formerly Invitae), Labcorp); PubMed 21307862 (cited by Labcorp Genetics (formerly Invitae), Labcorp).

NM_003907.3(EIF2B5):c.944G>A (p.Arg315His)

Gene: EIF2B5 (eukaryotic translation initiation factor 2B subunit epsilon; plus strand). Cytogenetic location: 3q27.1.
Variant type: single nucleotide variant.
Coding change: c.944G>A on transcript NM_003907.3 (MANE Select); coding-DNA position 944, G replaced by A.
Protein change: p.Arg315His; replaces arginine 315 with histidine.
Molecular consequence: missense variant.
Genome position (GRCh38, 1-based): chr3:184,140,518, G>A. VCF-style: chr3-184140518-G-A. GRCh37 (hg19) VCF-style: chr3-183858306-G-A.
Other names: short protein forms R315H.
Identifiers: ClinVar variation 5950 (VCV000005950.17), dbSNP rs113994064, ClinGen allele CA340481.
Genomic context (GRCh38, chr3:184,140,518, plus strand): 5'-AATATGGTGCCCGTGTCTCCAACCTACACATGTACTCAGCTGTCTGTGCTGACGTCATCC[G>A]CCGATGGGTCTACCCTCTCACCCCAGAGGCGAACTTCACTGACAGCACCACCCAGAGCTG-3'
Protein context (NP_003898.2, residues 305-325): MYSAVCADVI[Arg315His]RWVYPLTPEA